The following is an entry in ClinVar:

ClinVar aggregate classification (germline): Likely benign. Review status: criteria provided, single submitter (1 of 4 stars). 2 submissions from 2 submitters: Likely benign (1). 1 of the submissions does not count toward it. Last evaluated 2026-01-25.

Conditions:
Niemann-Pick disease, type C1. Also called: NEUROVISCERAL STORAGE DISEASE WITH VERTICAL SUPRANUCLEAR OPHTHALMOPLEGIA; NIEMANN-PICK DISEASE WITH CHOLESTEROL ESTERIFICATION BLOCK; NIEMANN-PICK DISEASE WITHOUT SPHINGOMYELINASE DEFICIENCY; NIEMANN-PICK DISEASE, CHRONIC NEURONOPATHIC FORM; NIEMANN-PICK DISEASE, VARIANT TYPE C1. Identifiers: Orphanet 646, MedGen C3179455, MONDO:0009757, OMIM 257220.
NPC1-related disorder. Also called: NPC1-related condition.

Submissions (2):

Labcorp Genetics (formerly Invitae), Labcorp
Classification: Likely benign for Niemann-Pick disease, type C1. Last evaluated: 2026-01-25. Review status: criteria provided, single submitter. Criteria: Invitae Variant Classification Sherloc (09022015). Collection method: clinical testing. Allele origin: germline.

PreventionGenetics, part of Exact Sciences
Classification: Likely benign for NPC1-related condition. Last evaluated: 2024-05-08. Review status: no assertion criteria provided. Collection method: clinical testing. Allele origin: germline. Not counted in ClinVar's aggregate classification.
Comment: This variant is classified as likely benign based on ACMG/AMP sequence variant interpretation guidelines (Richards et al. 2015 PMID: 25741868, with internal and published modifications).

NC_000018.9:g.21124907_21124908insCTCC

Gene: NPC1 (NPC intracellular cholesterol transporter 1; minus strand).
Variant type: Insertion.
Identifiers: ClinVar variation 1661456 (VCV001661456.9), dbSNP rs1555634621, ClinGen allele CA777724903.